The following is an entry in ClinVar:

ClinVar aggregate classification (germline): Conflicting classifications of pathogenicity. Review status: criteria provided, conflicting classifications (1 of 4 stars). 2 submissions from 2 submitters: Uncertain significance (1); Likely benign (1). Last evaluated 2025-02-02.

Conditions:
Martsolf syndrome (MARTS). Also called: Congenital cataract with intellectual disability and hypogonadotropic hypogonadism syndrome. Identifiers: Orphanet 1387, MedGen C0796037, MONDO:0023910.
Warburg micro syndrome 2 (WARBM2). Also called: MICRO SYNDROME 2. Identifiers: Orphanet 2510, MedGen C3280214, MONDO:0013641, OMIM 614225.

Allele frequency attached by ClinVar (database versions not stated): gnomAD 0.00001; ExAC 0.00002; gnomAD exomes 0.00002 and 0.00007; TOPMed 0.00002.
gnomAD v4.1: 103 of 1,608,042 alleles (0.0064%); highest among the groups gnomAD compares: Non-Finnish European, 0.0083%; no homozygotes.

Submissions (2):

Labcorp Genetics (formerly Invitae), Labcorp
Classification: Likely benign for Martsolf syndrome; Warburg micro syndrome 2. Last evaluated: 2025-02-02. Review status: criteria provided, single submitter. Criteria: Invitae Variant Classification Sherloc (09022015). Collection method: clinical testing. Allele origin: germline.

Victorian Clinical Genetics Services, Murdoch Childrens Research Institute
Classification: Uncertain significance for Warburg micro syndrome 2. Last evaluated: 2020-05-21. Review status: criteria provided, single submitter. Criteria: ACMG Guidelines, 2015. Collection method: clinical testing. Allele origin: germline. Inheritance: Autosomal recessive inheritance.
Comment: A heterozygous splice site variant was identified, NM_012414.3(RAB3GAP2):c.511-7C>T in intron 6 of the RAB3GAP2 gene. This substitution may cause aberrant splicing in the RAB3GAP2 gene, affecting protein function; further testing via RNA studies are required to confirm if splicing is altered. The nucleotide at this position has low conservation (Phylop UCSC). In silico software does not predict an effect on splicing (NetGene2, Fruit fly, Human Splicing Finder, ASSP). The variant is present in the gnomAD population database at a global population frequency of 0.002% (6 heterozygotes, 0 homozygotes) with a European sub-population frequency of 0.005%. It has not been previously observed in clinical cases. Based on information available at the time of curation, this variant has been classified as a VUS with LOW CLINICAL RELEVANCE.

NM_012414.4(RAB3GAP2):c.511-7C>T

Gene: RAB3GAP2 (RAB3 GTPase activating non-catalytic protein subunit 2; minus strand). Cytogenetic location: 1q41.
Variant type: single nucleotide variant.
Coding change: c.511-7C>T on transcript NM_012414.4 (MANE Select); 7 bases into the intron before coding-DNA position 511, C replaced by T.
Molecular consequence: intron variant.
Genome position (GRCh38, 1-based): chr1:220,210,496, G>A on the plus strand (C>T on the coding strand, the complement: RAB3GAP2 is on the minus strand). VCF-style: chr1-220210496-G-A. GRCh37 (hg19) VCF-style: chr1-220383838-G-A.
Identifiers: ClinVar variation 1151064 (VCV001151064.10), dbSNP rs748684063, ClinGen allele CA1402983.